The following is an entry in ClinVar:

ClinVar aggregate classification (germline): Uncertain significance (1 of 4 stars; one submission).

Conditions:
Mitochondrial hypertrophic cardiomyopathy with lactic acidosis due to MTO1 deficiency. Also called: Combined oxidative phosphorylation deficiency 10; CARDIOMYOPATHY, INFANTILE HYPERTROPHIC MITOCHONDRIAL, AND LACTIC ACIDOSIS. Identifiers: Orphanet 314637, MedGen C4749921, MONDO:0013865, OMIM 614702.

Allele frequency attached by ClinVar (database versions not stated): ExAC 0.00001; gnomAD exomes below 0.00001; TOPMed 0.00001; gnomAD 0.00001.
gnomAD v4.1: 8 of 1,608,656 alleles (0.0005%); highest among the groups gnomAD compares: Non-Finnish European, 0.00068%; no homozygotes.

Submission:

Labcorp Genetics (formerly Invitae), Labcorp
Classification: Uncertain significance for Mitochondrial hypertrophic cardiomyopathy with lactic acidosis due to MTO1 deficiency. Last evaluated: 2021-08-24. Review status: criteria provided, single submitter. Criteria: Invitae Variant Classification Sherloc (09022015). Collection method: clinical testing. Allele origin: germline.
Comment: This sequence change replaces alanine with glycine at codon 586 of the MTO1 protein (p.Ala586Gly). The alanine residue is highly conserved and there is a small physicochemical difference between alanine and glycine. This variant is present in population databases (rs749806427, ExAC 0.002%). This variant has not been reported in the literature in individuals affected with MTO1-related conditions. Algorithms developed to predict the effect of missense changes on protein structure and function are either unavailable or do not agree on the potential impact of this missense change (SIFT: "Tolerated"; PolyPhen-2: "Probably Damaging"; Align-GVGD: "Class C0"). In summary, the available evidence is currently insufficient to determine the role of this variant in disease. Therefore, it has been classified as a Variant of Uncertain Significance.

NM_012123.4(MTO1):c.1757C>G (p.Ala586Gly)

Gene: MTO1 (mitochondrial tRNA translation optimization 1; plus strand). Cytogenetic location: 6q13.
Variant type: single nucleotide variant.
Coding change: c.1757C>G on transcript NM_012123.4 (MANE Select); coding-DNA position 1757, C replaced by G.
Protein change: p.Ala586Gly; replaces alanine 586 with glycine.
Molecular consequence: missense variant.
Genome position (GRCh38, 1-based): chr6:73,497,736, C>G. VCF-style: chr6-73497736-C-G. GRCh37 (hg19) VCF-style: chr6-74207459-C-G.
Other names: c.1877C>G, p.Ala626Gly (NM_001123226.2); c.1832C>G, p.Ala611Gly (NM_133645.3); short protein forms A586G, A611G, A626G.
Identifiers: ClinVar variation 1013740 (VCV001013740.6), dbSNP rs749806427, ClinGen allele CA3889755.